The following is an entry in ClinVar:

ClinVar aggregate classification (germline): Pathogenic (1 of 4 stars; one submission).

Conditions:
Hypertrophic cardiomyopathy. Also called: HYPERTROPHIC MYOCARDIOPATHY. Identifiers: Orphanet 217569, MedGen C0007194, MeSH D002312, MONDO:0005045, HP:0001639.

Allele frequency attached by ClinVar (database versions not stated): gnomAD 0.00001.

Submission:

Labcorp Genetics (formerly Invitae), Labcorp
Classification: Pathogenic for Hypertrophic cardiomyopathy. Last evaluated: 2017-10-16. Review status: criteria provided, single submitter. Criteria: Invitae Variant Classification Sherloc (09022015). Collection method: clinical testing. Allele origin: germline.
Comment: This sequence change creates a premature translational stop signal (p.Pro672Alafs*11) in the MYBPC3 gene. It is expected to result in an absent or disrupted protein product. This variant is not present in population databases (ExAC no frequency). This variant was reported in an individual affected with hypertrophic cardiomyopathy (PMID: 25611685). Loss-of-function variants in MYBPC3 are known to be pathogenic¬† (PMID: 19574547) For these reasons, this variant has been classified as Pathogenic.

Literature cited by the submitters: PubMed 25611685; PubMed 19574547.

NM_000256.3(MYBPC3):c.2012_2013insGG (p.Pro672fs)

Gene: MYBPC3 (myosin binding protein C3; minus strand). Cytogenetic location: 11p11.2.
Variant type: Insertion.
Coding change: c.2012_2013insGG on transcript NM_000256.3 (MANE Select); coding-DNA positions 2012 to 2013, GG inserted.
Protein change: p.Pro672fs; shifts the reading frame from proline 672.
Molecular consequence: frameshift variant.
Genome position: GRCh38 VCF-style: chr11-47339705-G-GCC. GRCh37 (hg19) VCF-style: chr11-47361256-G-GCC.
Other names: short protein forms P672fs.
Identifiers: ClinVar variation 1070637 (VCV001070637.2), dbSNP rs2095886347, ClinGen allele CA937669977.
Genomic context (GRCh38, chr11:47,339,705, plus strand): 5'-CAGTACCTGCGTGATAGCCTTCTGCCAGATCACAGTGGGAGCAGGGTCCCCAGAGATAGG[G>GCC]ACGTCCAGACGTAGCTTATTTCCAGCTACAACCACAATGGTGTCTGGTATGCGGCCTGGG-3'